The following is an entry in ClinVar:

ClinVar aggregate classification (germline): Pathogenic/Likely pathogenic. Review status: criteria provided, multiple submitters, no conflicts (2 of 4 stars). 6 submissions from 6 submitters: Pathogenic (5); Likely pathogenic (1). Last evaluated 2025-10-05.

Conditions:
Polycystic kidney disease 4 (PKD4). Also called: POLYCYSTIC KIDNEY DISEASE 4 WITH OR WITHOUT POLYCYSTIC LIVER DISEASE; PKD3; Autosomal Recessive Polycystic Kidney Disease – PKHD1; POLYCYSTIC KIDNEY AND HEPATIC DISEASE 1; POLYCYSTIC KIDNEY DISEASE, INFANTILE, TYPE I. Identifiers: MedGen C4540575, MONDO:0033004, OMIM 263200.
Autosomal recessive polycystic kidney disease (ARPKD). Also called: AR polycystic kidney disease. Identifiers: Orphanet 731, Orphanet 8378, MedGen C0085548, MeSH D017044, MONDO:0009889.

Allele frequency attached by ClinVar (database versions not stated): gnomAD 0.00001; TOPMed 0.00001.
gnomAD v4.1: 17 of 1,613,376 alleles (0.0011%); highest among the groups gnomAD compares: East Asian, 0.0022%; no homozygotes.

Submissions (6):

Labcorp Genetics (formerly Invitae), Labcorp
Classification: Pathogenic for Autosomal recessive polycystic kidney disease. Last evaluated: 2025-10-05. Review status: criteria provided, single submitter. Criteria: Invitae Variant Classification Sherloc (09022015). Collection method: clinical testing. Allele origin: germline.
Comment: This sequence change creates a premature translational stop signal (p.Arg2979*) in the PKHD1 gene. It is expected to result in an absent or disrupted protein product. Loss-of-function variants in PKHD1 are known to be pathogenic (PMID: 19940839). This variant is present in population databases (rs765020336, gnomAD 0.01%). This premature translational stop signal has been observed in individual(s) with polycystic kidney disease (PMID: 19940839, 29956005). ClinVar contains an entry for this variant (Variation ID: 813373). For these reasons, this variant has been classified as Pathogenic.

Natera, Inc.
Classification: Pathogenic for Autosomal recessive polycystic kidney disease. Last evaluated: 2025-08-30. Review status: criteria provided, single submitter. Criteria: Natera Variant Classification Schema (03/2026). Collection method: clinical testing. Allele origin: germline.
Comment: The c.8935C>T variant in PKHD1 is a nonsense variant predicted to introduce a stop codon at amino acid 2979. This variant is expected to result in nonsense mediated decay, truncation, or a dysfunctional protein product. This variant is rare in the general population with a frequency below the threshold expected for the associated phenotype(s). This variant has been observed in one or more individuals affected with the associated recessive disease, as either homozygous or compound heterozygous with a second variant (PMID: 29956005, 19940839). Given the available evidence, this variant is classified as Pathogenic.

Women's Health and Genetics/Laboratory Corporation of America, LabCorp
Classification: Likely pathogenic for Autosomal recessive polycystic kidney disease. Last evaluated: 2021-11-08. Review status: criteria provided, single submitter. Criteria: LabCorp Variant Classification Summary - May 2015. Collection method: clinical testing. Allele origin: germline.
Comment: Variant summary: PKHD1 c.8935C>T (p.Arg2979X) results in a premature termination codon, predicted to cause a truncation of the encoded protein or absence of the protein due to nonsense mediated decay, which are commonly known mechanisms for disease. Truncations downstream of this position have been classified as pathogenic by our laboratory. The variant allele was found at a frequency of 4e-06 in 251132 control chromosomes (gnomAD). c.8935C>T has been reported in the literature in individuals affected with Polycystic Kidney And Hepatic Disease (Denamur_2010, Szabo_2018). These data indicate that the variant may be associated with disease. To our knowledge, no experimental evidence demonstrating an impact on protein function has been reported. No clinical diagnostic laboratories have submitted clinical-significance assessments for this variant to ClinVar after 2014. Based on the evidence outlined above, the variant was classified as likely pathogenic.

Department of Pathology and Laboratory Medicine, Sinai Health System
Classification: Pathogenic for Polycystic kidney disease 4. Last evaluated: 2021-07-30. Review status: criteria provided, single submitter. Criteria: ACMG Guidelines, 2015. Collection method: research. Allele origin: germline.

Victorian Clinical Genetics Services, Murdoch Childrens Research Institute
Classification: Pathogenic for Polycystic kidney disease 4. Last evaluated: 2020-05-01. Review status: criteria provided, single submitter. Criteria: ACMG Guidelines, 2015. Collection method: clinical testing. Allele origin: germline. Inheritance: Autosomal recessive inheritance. Affected: yes.
Comment: Based on the classification scheme VCGS_Germline_v1.1.1, this variant is classified as Pathogenic. Following criteria are met: 0102 - Loss-of-function is a known mechanism of disease for this gene. (N) 0106 - This gene is known to be associated with autosomal recessive disease. (N) 0201 - Variant is predicted to cause nonsense-mediated decay (NMD) and loss of protein (exon 57 of 67). (P) 0251 - Variant is heterozygous. (N) 0304 - Variant is present in gnomAD <0.01 for a recessive condition (1 heterozygote, 0 homozygotes). (P) 0402 - Variant is located in a gene associated with a severe early onset recessive condition that is intolerant to bi-allelic loss-of-function variants. (P) 0701 - Multiple comparable variants which are also NMD predicted have very strong previous evidence for pathogenicity (ClinVar). (P) 0803 - Low previous evidence of pathogenicity in one unrelated individual (PMID:29956005). (P) 0905 - No segregation evidence has been identified for this variant. (N) 1007 - No published functional evidence has been identified for this variant. (N) Legend: (P) - Pathogenic, (N) - Neutral, (B) - Benign

Baylor Genetics
Classification: Pathogenic for Polycystic kidney disease 4. Review status: criteria provided, single submitter. Criteria: ACMG Guidelines, 2015. Collection method: clinical testing. Allele origin: germline.

Literature cited by the submitters: PubMed 19940839 (cited by 3 submitters); PubMed 29956005 (cited by 4 submitters).

NM_138694.4(PKHD1):c.8935C>T (p.Arg2979Ter)

Gene: PKHD1 (PKHD1 ciliary IPT domain containing fibrocystin/polyductin; minus strand). Cytogenetic location: 6p12.3.
Variant type: single nucleotide variant.
Coding change: c.8935C>T on transcript NM_138694.4 (MANE Select); coding-DNA position 8935, C replaced by T.
Protein change: p.Arg2979Ter; replaces arginine 2979 with a stop codon.
Molecular consequence: nonsense.
Genome position (GRCh38, 1-based): chr6:51,753,216, G>A on the plus strand (C>T on the coding strand, the complement: PKHD1 is on the minus strand). VCF-style: chr6-51753216-G-A. GRCh37 (hg19) VCF-style: chr6-51618014-G-A.
Other names: c.8935C>T, p.Arg2979Ter (NM_170724.3); c.8935C>T (NM_170724.2); short protein forms R2979*.
Identifiers: ClinVar variation 813373 (VCV000813373.14), dbSNP rs765020336, ClinGen allele CA3851491.